The following is an entry in ClinVar:

ClinVar aggregate classification (germline): Uncertain significance. Review status: criteria provided, multiple submitters, no conflicts (2 of 4 stars). 3 submissions from 3 submitters: Uncertain significance (2). 1 of the submissions does not count toward it. Last evaluated 2025-10-01.

Conditions:
Charlevoix-Saguenay spastic ataxia (SACS). Also called: SPASTIC ATAXIA 6, AUTOSOMAL RECESSIVE; Spastic ataxia of Charlevoix-Saguenay; AUTOSOMAL RECESSIVE SPASTIC ATAXIA OF CHARLEVOIX-SAGUENAY. Identifiers: Orphanet 98, MedGen C1849140, MONDO:0010041, OMIM 270550.

Allele frequency attached by ClinVar (database versions not stated): TOPMed 0.00001.
gnomAD v4.1: 16 of 1,556,456 alleles (0.001%); highest among the groups gnomAD compares: East Asian, 0.0022%; no homozygotes.

Submissions (3):

Mayo Clinic Laboratories, Mayo Clinic
Classification: Uncertain significance. Last evaluated: 2025-10-01. Review status: criteria provided, single submitter. Criteria: ACMG Guidelines, 2015. Collection method: clinical testing. Allele origin: germline. Observed: 1 variant allele.
Comment: BP4_moderate, PM2_supporting

Athena Diagnostics
Classification: Uncertain significance. Last evaluated: 2019-01-07. Review status: criteria provided, single submitter. Criteria: Athena Diagnostics Criteria. Collection method: clinical testing. Allele origin: germline.

Natera, Inc.
Classification: Uncertain significance for Charlevoix-Saguenay type spastic ataxia. Last evaluated: 2020-09-16. Review status: no assertion criteria provided. Collection method: clinical testing. Allele origin: germline. Not counted in ClinVar's aggregate classification.

NM_014363.6(SACS):c.2096C>T (p.Ser699Phe)

Gene: SACS (sacsin molecular chaperone; minus strand). Cytogenetic location: 13q12.12.
Variant type: single nucleotide variant.
Coding change: c.2096C>T on transcript NM_014363.6 (MANE Select); coding-DNA position 2096, C replaced by T.
Protein change: p.Ser699Phe; replaces serine 699 with phenylalanine.
Molecular consequence: missense variant.
Genome position (GRCh38, 1-based): chr13:23,353,874, G>A on the plus strand (C>T on the coding strand, the complement: SACS is on the minus strand). VCF-style: chr13-23353874-G-A. GRCh37 (hg19) VCF-style: chr13-23928013-G-A.
Other names: p.Ser699Phe; c.1655C>T, p.Ser552Phe (NM_001278055.2); short protein forms S552F, S699F.
Identifiers: ClinVar variation 805291 (VCV000805291.3), dbSNP rs374680967, ClinGen allele CA387543147.